The following is an entry in ClinVar:

ClinVar aggregate classification (germline): Uncertain significance (1 of 4 stars; one submission).

Allele frequency attached by ClinVar (database versions not stated): gnomAD 0.00001; TOPMed 0.00001.
gnomAD v4.1: 6 of 1,614,118 alleles (0.00037%); highest among the groups gnomAD compares: Middle Eastern, 0.033%; no homozygotes.

Submission:

Labcorp Genetics (formerly Invitae), Labcorp
Classification: Uncertain significance. Last evaluated: 2022-06-10. Review status: criteria provided, single submitter. Criteria: Invitae Variant Classification Sherloc (09022015). Collection method: clinical testing. Allele origin: germline.
Comment: In summary, the available evidence is currently insufficient to determine the role of this variant in disease. Therefore, it has been classified as a Variant of Uncertain Significance. Algorithms developed to predict the effect of missense changes on protein structure and function are either unavailable or do not agree on the potential impact of this missense change (SIFT: "Deleterious"; PolyPhen-2: "Probably Damaging"; Align-GVGD: "Class C15"). This variant has not been reported in the literature in individuals affected with PCARE-related conditions. This variant is not present in population databases (gnomAD no frequency). This sequence change replaces isoleucine, which is neutral and non-polar, with phenylalanine, which is neutral and non-polar, at codon 735 of the PCARE protein (p.Ile735Phe).

NM_001029883.3(PCARE):c.2203A>T (p.Ile735Phe)

Gene: PCARE (photoreceptor cilium actin regulator; minus strand). Cytogenetic location: 2p23.2.
Variant type: single nucleotide variant.
Coding change: c.2203A>T on transcript NM_001029883.3 (MANE Select); coding-DNA position 2203, A replaced by T.
Protein change: p.Ile735Phe; replaces isoleucine 735 with phenylalanine.
Molecular consequence: missense variant.
Genome position (GRCh38, 1-based): chr2:29,072,059, T>A on the plus strand (A>T on the coding strand, the complement: PCARE is on the minus strand). VCF-style: chr2-29072059-T-A. GRCh37 (hg19) VCF-style: chr2-29294925-T-A.
Other names: short protein forms I735F.
Identifiers: ClinVar variation 1943620 (VCV001943620.5), dbSNP rs1667498926, ClinGen allele CA346478022.
Genomic context (GRCh38, chr2:29,072,059, plus strand): 5'-CCCCAGCGTCCTTAGAGTCCCCCAGCATCCTCAGACTCTCCGTGGGACTGAAAGTTTCAA[T>A]AAGCTTCTTGACGGATGTTCTGGTGGGACAGCCTCTGACATTCCAGTCTGTGGCCTTGGC-3'
Protein context (NP_001025054.1, residues 725-745): CPTRTSVKKL[Ile735Phe]ETFSPTESLR